The following is an entry in ClinVar:

NM_000089.4(COL1A2):c.3610A>G (p.Ile1204Val)

Gene: COL1A2 (collagen type I alpha 2 chain; plus strand). Cytogenetic location: 7q21.3.
Variant type: single nucleotide variant.
Coding change: c.3610A>G on transcript NM_000089.4 (MANE Select); coding-DNA position 3610, A replaced by G.
Protein change: p.Ile1204Val; replaces isoleucine 1204 with valine.
Molecular consequence: missense variant.
Genome position (GRCh38, 1-based): chr7:94,428,376, A>G. VCF-style: chr7-94428376-A-G. GRCh37 (hg19) VCF-style: chr7-94057688-A-G.
Other names: short protein forms I1204V.
Identifiers: ClinVar variation 4613937 (VCV004613937.1).

ClinVar aggregate classification (germline): Uncertain significance (1 of 4 stars; one submission).

Conditions:
Cardiovascular phenotype. Identifiers: MedGen CN230736.

gnomAD v4.1: 1 of 1,614,130 alleles (0.000062%); highest among the groups gnomAD compares: South Asian, 0.0011%; no homozygotes.

Submission:

Ambry Genetics
Classification: Uncertain significance for Cardiovascular phenotype. Last evaluated: 2025-12-11. Review status: criteria provided, single submitter. Criteria: Ambry Variant Classification Scheme 2023. Collection method: clinical testing. Allele origin: germline.
Comment: The p.I1204V variant (also known as c.3610A>G), located in coding exon 50 of the COL1A2 gene, results from an A to G substitution at nucleotide position 3610. The isoleucine at codon 1204 is replaced by valine, an amino acid with highly similar properties. This amino acid position is conserved. In addition, this alteration is predicted to be tolerated by in silico analysis. Based on the available evidence, the clinical significance of this variant remains unclear.